The following is an entry in ClinVar:

NM_001142800.2(EYS):c.9108T>A (p.Asn3036Lys)

Genes: EYS (EGF-like photoreceptor maintenance factor; minus strand), PHF3 (PHD finger protein 3; plus strand). Cytogenetic location: 6q12.
Variant type: single nucleotide variant.
Coding change: c.9108T>A on transcript NM_001142800.2 (MANE Select); coding-DNA position 9108, T replaced by A.
Protein change: p.Asn3036Lys; replaces asparagine 3036 with lysine.
Molecular consequence: missense variant. On other transcripts: 3 prime UTR variant (5).
Genome position (GRCh38, 1-based): chr6:63,720,923, A>T on the plus strand (T>A on the coding strand, the complement: EYS is on the minus strand). VCF-style: chr6-63720923-A-T. GRCh37 (hg19) VCF-style: chr6-64430819-A-T.
Other names: c.*7215A>T (NM_001290259.2, NM_001370348.2, NM_001370349.2 and 2 more transcripts); c.9171T>A, p.Asn3057Lys (NM_001292009.2); short protein forms N3036K, N3057K.
Identifiers: ClinVar variation 853687 (VCV000853687.11), dbSNP rs937362206, ClinGen allele CA140236797.
Genomic context (GRCh38, chr6:63,720,923, plus strand): 5'-GATAAGAGTCTGATTTTGAATTACAACTACATGGTGCCATTTATTACAACAGAATGTGCC[A>T]TTGTTATAGCTCATAGGCACAGAGATTCTTTCTCCCAAGTTAACTGCTATTTTCAAGGTC-3'
Protein context (NP_001136272.1, residues 3026-3046): ERISVPMSYN[Asn3036Lys]GTFCCNKWHH

ClinVar aggregate classification (germline): Uncertain significance. Review status: criteria provided, multiple submitters, no conflicts (2 of 4 stars). 5 submissions from 5 submitters: Uncertain significance (4). 1 of the submissions does not count toward it. Last evaluated 2026-02-13.

Conditions:
Inborn genetic diseases. Identifiers: MedGen C0950123, MeSH D030342.
Retinitis pigmentosa 25 (RP25). Identifiers: Orphanet 791, MedGen C1864446, MONDO:0011272, OMIM 602772.
EYS-related disorder. Also called: EYS-related condition.

Allele frequency attached by ClinVar (database versions not stated): gnomAD exomes 0.00001; TOPMed 0.00006; gnomAD 0.00007.
gnomAD v4.1: 18 of 1,551,038 alleles (0.0012%); highest among the groups gnomAD compares: African/African-American, 0.022%; no homozygotes.

Submissions (5):

PreventionGenetics, part of Exact Sciences
Classification: Uncertain significance for EYS-related condition. Last evaluated: 2026-02-13. Review status: criteria provided, single submitter. Criteria: ACMG Guidelines, 2015. Collection method: clinical testing. Allele origin: germline.
Comment: The EYS c.9108T>A variant is predicted to result in the amino acid substitution p.Asn3036Lys. To our knowledge, this variant has not been reported in the literature. This variant is reported in 0.018% of alleles in individuals of African descent in gnomAD. At this time, the clinical significance of this variant is uncertain due to the absence of conclusive functional and genetic evidence.

Ambry Genetics
Classification: Uncertain significance for Inborn genetic diseases. Last evaluated: 2025-11-05. Review status: criteria provided, single submitter. Criteria: Ambry Variant Classification Scheme 2023. Collection method: clinical testing. Allele origin: germline.

Labcorp Genetics (formerly Invitae), Labcorp
Classification: Uncertain significance. Last evaluated: 2025-08-24. Review status: criteria provided, single submitter. Criteria: Invitae Variant Classification Sherloc (09022015). Collection method: clinical testing. Allele origin: germline.
Comment: This sequence change replaces asparagine, which is neutral and polar, with lysine, which is basic and polar, at codon 3036 of the EYS protein (p.Asn3036Lys). This variant is present in population databases (no rsID available, gnomAD 0.02%). This variant has not been reported in the literature in individuals affected with EYS-related conditions. ClinVar contains an entry for this variant (Variation ID: 853687). Invitae Evidence Modeling of protein sequence and biophysical properties (such as structural, functional, and spatial information, amino acid conservation, physicochemical variation, residue mobility, and thermodynamic stability) indicates that this missense variant is not expected to disrupt EYS protein function with a negative predictive value of 80%. In summary, the available evidence is currently insufficient to determine the role of this variant in disease. Therefore, it has been classified as a Variant of Uncertain Significance.

Blueprint Genetics
Classification: Uncertain significance. Last evaluated: 2022-01-19. Review status: criteria provided, single submitter. Criteria: ACMG Guidelines, 2015. Collection method: clinical testing. Allele origin: germline.

Natera, Inc.
Classification: Uncertain significance for Retinitis pigmentosa type 25. Last evaluated: 2020-03-10. Review status: no assertion criteria provided. Collection method: clinical testing. Allele origin: germline. Not counted in ClinVar's aggregate classification.